The following is an entry in ClinVar:

ClinVar aggregate classification (germline): Uncertain significance. Review status: criteria provided, multiple submitters, no conflicts (2 of 4 stars). 3 submissions from 3 submitters: Uncertain significance (3). Last evaluated 2025-04-04.

Conditions:
Retinal dystrophy. Also called: Inherited retinal dystrophy. Identifiers: Orphanet 71862, MedGen C0854723, MeSH D058499, MONDO:0019118, HP:0000556.

Allele frequency attached by ClinVar (database versions not stated): ExAC 0.00002; gnomAD exomes 0.00002; gnomAD 0.00003 and 0.00004; TOPMed 0.00003.
gnomAD v4.1: 32 of 1,594,488 alleles (0.002%); highest among the groups gnomAD compares: East Asian, 0.0046%; no homozygotes.

Submissions (3):

Labcorp Genetics (formerly Invitae), Labcorp
Classification: Uncertain significance. Last evaluated: 2025-04-04. Review status: criteria provided, single submitter. Criteria: Invitae Variant Classification Sherloc (09022015). Collection method: clinical testing. Allele origin: germline.
Comment: This sequence change replaces valine, which is neutral and non-polar, with methionine, which is neutral and non-polar, at codon 103 of the PDE6B protein (p.Val103Met). This variant is present in population databases (rs751477149, gnomAD 0.006%). This variant has not been reported in the literature in individuals affected with PDE6B-related conditions. ClinVar contains an entry for this variant (Variation ID: 847681). Invitae Evidence Modeling of protein sequence and biophysical properties (such as structural, functional, and spatial information, amino acid conservation, physicochemical variation, residue mobility, and thermodynamic stability) indicates that this missense variant is not expected to disrupt PDE6B protein function with a negative predictive value of 95%. In summary, the available evidence is currently insufficient to determine the role of this variant in disease. Therefore, it has been classified as a Variant of Uncertain Significance.

Dept Of Ophthalmology, Nagoya University
Classification: Uncertain significance for Retinal dystrophy. Last evaluated: 2023-10-01. Review status: criteria provided, single submitter. Criteria: Submitter's publication. Collection method: research. Allele origin: germline. Affected: yes.

Blueprint Genetics
Classification: Uncertain significance. Last evaluated: 2022-03-25. Review status: criteria provided, single submitter. Criteria: ACMG Guidelines, 2015. Collection method: clinical testing. Allele origin: germline.

NM_000283.4(PDE6B):c.307G>A (p.Val103Met)

Gene: PDE6B (phosphodiesterase 6B; plus strand). Cytogenetic location: 4p16.3.
Variant type: single nucleotide variant.
Coding change: c.307G>A on transcript NM_000283.4 (MANE Select); coding-DNA position 307, G replaced by A.
Protein change: p.Val103Met; replaces valine 103 with methionine.
Molecular consequence: missense variant.
Genome position (GRCh38, 1-based): chr4:625,933, G>A. VCF-style: chr4-625933-G-A. GRCh37 (hg19) VCF-style: chr4-619722-G-A.
Other names: c.307G>A, p.Val103Met (NM_001145291.2); short protein forms V103M.
Identifiers: ClinVar variation 847681 (VCV000847681.9), dbSNP rs751477149, ClinGen allele CA2793908.
Genomic context (GRCh38, chr4:625,933, plus strand): 5'-CTCTGCACCCTCCTGCAGGCCGACCGCTGCAGCCTCTTCATGTACCGCCAGCGCAACGGC[G>A]TGGCCGAGCTGGCCACCAGGCTTTTCAGCGTGCAGCCGGACAGCGTCCTGGAGGACTGCC-3'
Protein context (NP_000274.3, residues 93-113): SLFMYRQRNG[Val103Met]AELATRLFSV